The following is an entry in ClinVar:

GRCh38/hg38 9p24.3-23(chr9:1592306-12387899)x3

Genes: AK3 (adenylate kinase 3; minus strand), BRD10 (bromodomain containing 10; minus strand), CD274 (CD274 molecule; plus strand), CDC37L1 (cell division cycle 37 like 1, HSP90 cochaperone; plus strand), CDC37L1-DT (CDC37L1 divergent transcript; minus strand) and 203 more. Cytogenetic location: 9p24.3-23.
Variant type: copy number gain.
Change: copy number 3 (three copies instead of two) of chr9:1,592,306-12,387,899 (10.80 Mb, GRCh38 coordinates, 1-based), cytogenetic band 9p24.3-23.
Identifiers: ClinVar variation 57027 (VCV000057027.1).

ClinVar aggregate classification (germline): Pathogenic (1 of 4 stars; one submission).

Submission:

ISCA site 4
Classification: Pathogenic. Last evaluated: 2011-08-12. Review status: criteria provided, single submitter. Criteria: Kaminsky et al. (Genet Med. 2011). Collection method: clinical testing. Allele origin: unknown. Affected: yes. Observed: 1 variant allele.
Comment: Copy number variation identified through the course of routine clinical cytogenomic testing in postnatal populations. Clinical assertions have been curated as described in Kaminsky et al. 2011.